The following is an entry in ClinVar:

ClinVar aggregate classification (germline): Uncertain significance (1 of 4 stars; one submission).

Conditions:
Familial thoracic aortic aneurysm and aortic dissection (TAAD). Also called: Thoracic aortic aneurysms and dissections. Identifiers: Orphanet 91387, MedGen C4707243, MONDO:0019625.
Marfan syndrome (MFS). Also called: FBN1-Related Marfan Syndrome; Marfan's syndrome; MARFAN SYNDROME, TYPE I; Marfan syndrome type 1; Marfan syndrome, classic. Identifiers: Orphanet 284963, Orphanet 558, MedGen C0024796, MONDO:0007947, OMIM 154700.

Submission:

Labcorp Genetics (formerly Invitae), Labcorp
Classification: Uncertain significance for Marfan syndrome; Familial thoracic aortic aneurysm and aortic dissection. Last evaluated: 2019-02-25. Review status: criteria provided, single submitter. Criteria: Invitae Variant Classification Sherloc (09022015). Collection method: clinical testing. Allele origin: germline.
Comment: In summary, the available evidence is currently insufficient to determine the role of this variant in disease. Therefore, it has been classified as a Variant of Uncertain Significance. Algorithms developed to predict the effect of missense changes on protein structure and function (SIFT, PolyPhen-2, Align-GVGD) all suggest that this variant is likely to be tolerated, but these predictions have not been confirmed by published functional studies and their clinical significance is uncertain. This variant has not been reported in the literature in individuals with FBN1-related conditions. This variant is not present in population databases (ExAC no frequency). This sequence change replaces histidine with aspartic acid at codon 2615 of the FBN1 protein (p.His2615Asp). The histidine residue is moderately conserved and there is a moderate physicochemical difference between histidine and aspartic acid.

NM_000138.5(FBN1):c.7843C>G (p.His2615Asp)

Gene: FBN1 (fibrillin 1; minus strand). Cytogenetic location: 15q21.1.
Variant type: single nucleotide variant.
Coding change: c.7843C>G on transcript NM_000138.5 (MANE Select); coding-DNA position 7843, C replaced by G.
Protein change: p.His2615Asp; replaces histidine 2615 with aspartic acid.
Molecular consequence: missense variant.
Genome position (GRCh38, 1-based): chr15:48,415,744, G>C on the plus strand (C>G on the coding strand, the complement: FBN1 is on the minus strand). VCF-style: chr15-48415744-G-C. GRCh37 (hg19) VCF-style: chr15-48707941-G-C.
Other names: short protein forms H2615D.
Identifiers: ClinVar variation 837695 (VCV000837695.9), dbSNP rs2042899271, ClinGen allele CA392323416.
Genomic context (GRCh38, chr15:48,415,744, plus strand): 5'-CGGGACACATGCACTTGTAGCTCCCCAGGGTGTTGTGACAGGAGGCTCCTCCGCAGATGT[G>C]AGCGCTGAGGCATTCGTTTTCATCTGCAGGCAAAATAAGAAGCGGCATGTGTGGCAGCAG-3'
Protein context (NP_000129.3, residues 2605-2625): CVDENECLSA[His2615Asp]ICGGASCHNT